The following is an entry in ClinVar:

ClinVar aggregate classification (germline): Likely pathogenic (1 of 4 stars; one submission).

Conditions:
Dilated cardiomyopathy 1G (CMD1G). Identifiers: Orphanet 154, MedGen C1858763, MONDO:0011400, OMIM 604145.

Submission:

Juno Genomics, Hangzhou Juno Genomics, Inc
Classification: Likely pathogenic for Dilated cardiomyopathy 1G. Review status: criteria provided, single submitter. Criteria: ACMG Guidelines, 2015. Collection method: clinical testing. Allele origin: germline.
Comment: Absent from controls (or at extremely low frequency if recessive) in Genome Aggregation Database.;Null variant in a gene where loss of function (LOF) is a known mechanism of disease.

NM_001267550.2(TTN):c.71007dup (p.Gly23670fs)

Genes: TTN (titin; minus strand), TTN-AS1 (TTN antisense RNA 1; plus strand). Cytogenetic location: 2q31.2.
Variant type: Duplication.
Coding change: c.71007dup on transcript NM_001267550.2 (MANE Select); coding-DNA position 71007, one base duplicated (A; older notation c.71007dupA).
Protein change: p.Gly23670fs; shifts the reading frame from glycine 23670.
Molecular consequence: frameshift variant.
Genome position (GRCh38, 1-based): chr2:178,575,125, T duplicated on the plus strand (A on the coding strand, the reverse complement: TTN is on the minus strand); the first of 6 consecutive T bases (chr2:178,575,125-178,575,130); duplicating any one gives the same sequence. VCF-style (leftmost placement, unchanged base first): chr2-178575124-C-CT. GRCh37 (hg19) VCF-style: chr2-179439851-C-CT.
Other names: c.44187dup, p.Gly14730fs (NM_133432.3); c.44388dup, p.Gly14797fs (NM_133437.4); c.66084dup, p.Gly22029fs (NM_001256850.1); c.43812dup, p.Gly14605fs (NM_003319.4); c.63303dup, p.Gly21102fs (NM_133378.4); short protein forms G14605fs, G14730fs, G14797fs, G21102fs, G22029fs, G23670fs.
Identifiers: ClinVar variation 4533236 (VCV004533236.2).